The following is an entry in ClinVar:

ClinVar aggregate classification (germline): Uncertain significance. Review status: criteria provided, multiple submitters, no conflicts (2 of 4 stars). 2 submissions from 2 submitters: Uncertain significance (2). Last evaluated 2022-11-01.

Conditions:
OBSL1-related disorder. Also called: OBSL1-related condition.

Allele frequency attached by ClinVar (database versions not stated): TOPMed 0.00001; gnomAD 0.00003; gnomAD exomes 0.00003 and 0.00008; ExAC 0.00008.
gnomAD v4.1: 43 of 1,613,758 alleles (0.0027%); highest among the groups gnomAD compares: South Asian, 0.029%; no homozygotes.

Submissions (2):

Labcorp Genetics (formerly Invitae), Labcorp
Classification: Uncertain significance. Last evaluated: 2022-11-01. Review status: criteria provided, single submitter. Criteria: Invitae Variant Classification Sherloc (09022015). Collection method: clinical testing. Allele origin: germline.
Comment: In summary, the available evidence is currently insufficient to determine the role of this variant in disease. Therefore, it has been classified as a Variant of Uncertain Significance. This sequence change replaces glutamic acid, which is acidic and polar, with lysine, which is basic and polar, at codon 494 of the OBSL1 protein (p.Glu494Lys). The frequency data for this variant in the population databases is considered unreliable, as metrics indicate poor data quality at this position in the gnomAD database. This variant has not been reported in the literature in individuals affected with OBSL1-related conditions. ClinVar contains an entry for this variant (Variation ID: 1418430). Algorithms developed to predict the effect of missense changes on protein structure and function are either unavailable or do not agree on the potential impact of this missense change (SIFT: "Tolerated"; PolyPhen-2: "Possibly Damaging"; Align-GVGD: "Class C0").

PreventionGenetics, part of Exact Sciences
Classification: Uncertain significance for OBSL1-related condition. Last evaluated: 2022-09-29. Review status: criteria provided, single submitter. Criteria: ACMG Guidelines, 2015. Collection method: clinical testing. Allele origin: germline.
Comment: The OBSL1 c.1480G>A variant is predicted to result in the amino acid substitution p.Glu494Lys. To our knowledge, this variant has not been reported in the literature. This variant is reported in 0.061% of alleles in individuals of East Asian descent in gnomAD. At this time, the clinical significance of this variant is uncertain due to the absence of conclusive functional and genetic evidence.

NM_015311.3(OBSL1):c.1480G>A (p.Glu494Lys)

Gene: OBSL1 (obscurin like cytoskeletal adaptor 1; minus strand). Cytogenetic location: 2q35.
Variant type: single nucleotide variant.
Coding change: c.1480G>A on transcript NM_015311.3 (MANE Select); coding-DNA position 1480, G replaced by A.
Protein change: p.Glu494Lys; replaces glutamic acid 494 with lysine.
Molecular consequence: missense variant.
Genome position (GRCh38, 1-based): chr2:219,567,772, C>T on the plus strand (G>A on the coding strand, the complement: OBSL1 is on the minus strand). VCF-style: chr2-219567772-C-T. GRCh37 (hg19) VCF-style: chr2-220432494-C-T.
Other names: c.1480G>A, p.Glu494Lys (NM_001173408.2, NM_001173431.2); c.1480G>A (NM_015311.2); short protein forms E494K.
Identifiers: ClinVar variation 1418430 (VCV001418430.8), dbSNP rs758572478, ClinGen allele CA2131526.